The following is an entry in ClinVar:

ClinVar aggregate classification (germline): Uncertain significance. Review status: criteria provided, multiple submitters, no conflicts (2 of 4 stars). 2 submissions from 2 submitters: Uncertain significance (2). Last evaluated 2022-06-21.

Conditions:
Kufor-Rakeb syndrome (KRS). Also called: PARKINSON DISEASE 9, AUTOSOMAL RECESSIVE, JUVENILE-ONSET. Identifiers: Orphanet 306674, Orphanet 314632, MedGen C1847640, MONDO:0011706, OMIM 606693.
Autosomal recessive spastic paraplegia type 78. Identifiers: Orphanet 513436, MedGen C5567893, MONDO:0014975, OMIM 617225.
Inborn genetic diseases. Identifiers: MedGen C0950123, MeSH D030342.

Allele frequency attached by ClinVar (database versions not stated): ESP Exome Variant Server 0.00008.
gnomAD v4.1: 24 of 1,605,910 alleles (0.0015%); highest among the groups gnomAD compares: Non-Finnish European, 0.0019%; no homozygotes.

Submissions (2):

Labcorp Genetics (formerly Invitae), Labcorp
Classification: Uncertain significance for Kufor-Rakeb syndrome; Autosomal recessive spastic paraplegia type 78. Last evaluated: 2022-06-21. Review status: criteria provided, single submitter. Criteria: Invitae Variant Classification Sherloc (09022015). Collection method: clinical testing. Allele origin: germline.
Comment: This sequence change creates a premature translational stop signal (p.Arg1164*) in the ATP13A2 gene. While this is not anticipated to result in nonsense mediated decay, it is expected to disrupt the last 17 amino acid(s) of the ATP13A2 protein. The frequency data for this variant in the population databases is considered unreliable, as metrics indicate poor data quality at this position in the gnomAD database. This variant has not been reported in the literature in individuals affected with ATP13A2-related conditions. Experimental studies and prediction algorithms are not available or were not evaluated, and the functional significance of this variant is currently unknown. In summary, the available evidence is currently insufficient to determine the role of this variant in disease. Therefore, it has been classified as a Variant of Uncertain Significance.

Ambry Genetics
Classification: Uncertain significance for Inborn genetic diseases. Last evaluated: 2018-01-31. Review status: criteria provided, single submitter. Criteria: Ambry Variant Classification Scheme 2023. Collection method: clinical testing. Allele origin: germline.
Comment: The p.R1164* variant (also known as c.3490C>T), located in coding exon 29 of the ATP13A2 gene, results from a C to T substitution at nucleotide position 3490. This changes the amino acid from an arginine to a stop codon within coding exon 29. Premature stop codons are typically deleterious in nature, however, this stop codon occurs at the 3' terminus of ATP13A2, is not expected to trigger nonsense-mediated mRNA decay, and impacts only the last 17 amino acids of the protein. The exact functional impact of these removed amino acids is unknown at this time. Since supporting evidence is limited at this time, the clinical significance of this alteration remains unclear.

NM_022089.4(ATP13A2):c.3490C>T (p.Arg1164Ter)

Gene: ATP13A2 (ATPase cation transporting 13A2; minus strand). Cytogenetic location: 1p36.13.
Variant type: single nucleotide variant.
Coding change: c.3490C>T on transcript NM_022089.4 (MANE Select); coding-DNA position 3490, C replaced by T.
Protein change: p.Arg1164Ter; replaces arginine 1164 with a stop codon.
Molecular consequence: nonsense. On other transcripts: missense variant (1).
Genome position (GRCh38, 1-based): chr1:16,986,274, G>A on the plus strand (C>T on the coding strand, the complement: ATP13A2 is on the minus strand). VCF-style: chr1-16986274-G-A. GRCh37 (hg19) VCF-style: chr1-17312769-G-A.
Other names: c.3475C>T, p.Arg1159Ter (NM_001141973.3); c.3188C>T, p.Thr1063Met (NM_001141974.3); short protein forms R1164*, R1159*, T1063M.
Identifiers: ClinVar variation 1731934 (VCV001731934.4), dbSNP rs373003359, ClinGen allele CA18624671.
Genomic context (GRCh38, chr1:16,986,274, plus strand): 5'-GCCTGCACTACCTCAGGGGGCCGGCGGGCAGCGGCGGCCAGGGCTGCTCGGCCAGCTCTC[G>A]TTCCAGCTGCTTGAAGCGCTTCTTGGAGGCCCGCTTGGGCCGGAGGCGGCGCAGGCAGGC-3'